The following is an entry in ClinVar:

NM_025114.4(CEP290):c.3514C>T (p.Gln1172Ter)

Gene: CEP290 (centrosomal protein 290; minus strand). Cytogenetic location: 12q21.32.
Variant type: single nucleotide variant.
Coding change: c.3514C>T on transcript NM_025114.4 (MANE Select); coding-DNA position 3514, C replaced by T.
Protein change: p.Gln1172Ter; replaces glutamine 1172 with a stop codon.
Molecular consequence: nonsense.
Genome position (GRCh38, 1-based): chr12:88,090,787, G>A on the plus strand (C>T on the coding strand, the complement: CEP290 is on the minus strand). VCF-style: chr12-88090787-G-A. GRCh37 (hg19) VCF-style: chr12-88484564-G-A.
Other names: short protein forms Q1172*.
Identifiers: ClinVar variation 959128 (VCV000959128.8), dbSNP rs2036975289, ClinGen allele CA386001998.

ClinVar aggregate classification (germline): Pathogenic (1 of 4 stars; one submission).

Conditions:
Meckel-Gruber syndrome. Also called: Dysencephalia splachnocystica; DYSENCEPHALIA SPLANCHNOCYSTICA; GRUBER SYNDROME. Identifiers: Orphanet 564, MedGen C0265215, MONDO:0018921.
Nephronophthisis. Also called: Juvenile Nephronophthisis. Identifiers: Orphanet 655, MedGen C0687120, MONDO:0019005, HP:0000090.
Joubert syndrome. Also called: Familial aplasia of the vermis; CEREBELLOPARENCHYMAL DISORDER IV; JOUBERT-BOLTSHAUSER SYNDROME. Identifiers: Orphanet 475, MedGen C5979921, MONDO:0018772.

Submission:

Labcorp Genetics (formerly Invitae), Labcorp
Classification: Pathogenic for Joubert syndrome; Meckel-Gruber syndrome; Nephronophthisis. Last evaluated: 2022-01-07. Review status: criteria provided, single submitter. Criteria: Invitae Variant Classification Sherloc (09022015). Collection method: clinical testing. Allele origin: germline.
Comment: For these reasons, this variant has been classified as Pathogenic. ClinVar contains an entry for this variant (Variation ID: 959128). This variant has not been reported in the literature in individuals affected with CEP290-related conditions. This variant is not present in population databases (gnomAD no frequency). This sequence change creates a premature translational stop signal (p.Gln1172*) in the CEP290 gene. It is expected to result in an absent or disrupted protein product. Loss-of-function variants in CEP290 are known to be pathogenic (PMID: 16909394, 17345604, 20690115).

Literature cited by the submitters: PubMed 16909394; PubMed 17345604; PubMed 20690115.